The following is an entry in ClinVar:

NM_001195248.2(APTX):c.809C>T (p.Ser270Phe)

Gene: APTX (aprataxin; minus strand). Cytogenetic location: 9p21.1.
Variant type: single nucleotide variant.
Coding change: c.809C>T on transcript NM_001195248.2 (MANE Select); coding-DNA position 809, C replaced by T.
Protein change: p.Ser270Phe; replaces serine 270 with phenylalanine.
Molecular consequence: missense variant. On other transcripts: non-coding transcript variant (13).
Genome position (GRCh38, 1-based): chr9:32,974,523, G>A on the plus strand (C>T on the coding strand, the complement: APTX is on the minus strand). VCF-style: chr9-32974523-G-A. GRCh37 (hg19) VCF-style: chr9-32974521-G-A.
Other names: c.809C>T, p.Ser270Phe (NM_001195249.2, NM_001195251.2, NM_001368995.1 and 6 more transcripts); c.647C>T, p.Ser216Phe (NM_001195250.2, NM_001195254.2, NM_001369000.1 and 1 more transcripts); c.593C>T, p.Ser198Phe (NM_001195252.2); c.545C>T, p.Ser182Phe (NM_001369002.1, NM_001369003.1, NM_001369004.1 and 5 more transcripts); short protein forms S182F, S198F, S216F, S270F.
Identifiers: ClinVar variation 1303247 (VCV001303247.2), dbSNP rs1828859707, ClinGen allele CA373174087.

ClinVar aggregate classification (germline): Uncertain significance (1 of 4 stars; one submission).

Allele frequency attached by ClinVar (database versions not stated): TOPMed below 0.00001.

Submission:

GeneDx
Classification: Uncertain significance. Last evaluated: 2020-11-10. Review status: criteria provided, single submitter. Criteria: GeneDx Variant Classification Process June 2021. Collection method: clinical testing. Allele origin: germline. Affected: yes.
Comment: Reported previously in an individual with ataxia with oculomotor apraxia who also harbored a APTX splicing variant, although parental studies were not performed to determine the phase of these two variants (Laurencin et al., 2015; Renaud et al., 2018); Not observed in large population cohorts (Lek et al., 2016); In silico analysis, which includes protein predictors and evolutionary conservation, supports a deleterious effect; This variant is associated with the following publications: (PMID: 25845762, 29356829)